The following is an entry in ClinVar:

NM_194248.3(OTOF):c.2178C>A (p.Tyr726Ter)

Gene: OTOF (otoferlin; minus strand). Cytogenetic location: 2p23.3.
Variant type: single nucleotide variant.
Coding change: c.2178C>A on transcript NM_194248.3 (MANE Select); coding-DNA position 2178, C replaced by A.
Protein change: p.Tyr726Ter; replaces tyrosine 726 with a stop codon.
Molecular consequence: nonsense.
Genome position (GRCh38, 1-based): chr2:26,479,300, G>T on the plus strand (C>A on the coding strand, the complement: OTOF is on the minus strand). VCF-style: chr2-26479300-G-T. GRCh37 (hg19) VCF-style: chr2-26702168-G-T.
Other names: c.2178C>A, p.Tyr726Ter (NM_001287489.2); short protein forms Y726*.
Identifiers: ClinVar variation 3601528 (VCV003601528.1).

ClinVar aggregate classification (germline): Pathogenic (1 of 4 stars; one submission).

Conditions:
Autosomal recessive nonsyndromic hearing loss 9. Also called: NEUROSENSORY NONSYNDROMIC RECESSIVE DEAFNESS 9; OTOF-Related Hearing Loss; Deafness, autosomal recessive 9; AUDITORY NEUROPATHY, AUTOSOMAL RECESSIVE, 1, TEMPERATURE-SENSITIVE. Identifiers: Orphanet 90636, MedGen C1832828, MONDO:0010986, OMIM 601071.

Submission:

Institute of Rare Diseases, West China Hospital, Sichuan University
Classification: Pathogenic for Autosomal recessive nonsyndromic hearing loss 9. Last evaluated: 2025-01-09. Review status: criteria provided, single submitter. Criteria: ClinGen HL ACMG Specifications v1. Collection method: research. Allele origin: germline. Affected: yes.
Comment: PVS1;PM3;PM2_Supporting